The following is an entry in ClinVar:

NM_000186.4(CFH):c.3310G>C (p.Asp1104His)

Gene: CFH (complement factor H; plus strand). Cytogenetic location: 1q31.3.
Variant type: single nucleotide variant.
Coding change: c.3310G>C on transcript NM_000186.4 (MANE Select); coding-DNA position 3310, G replaced by C.
Protein change: p.Asp1104His; replaces aspartic acid 1104 with histidine.
Molecular consequence: missense variant.
Genome position (GRCh38, 1-based): chr1:196,743,628, G>C. VCF-style: chr1-196743628-G-C. GRCh37 (hg19) VCF-style: chr1-196712758-G-C.
Other names: p.Asp1104His; short protein forms D1104H.
Identifiers: ClinVar variation 3380308 (VCV003380308.1).
Genomic context (GRCh38, chr1:196,743,628, plus strand): 5'-TTTGGGGATGAAGAAGTGATGTGTTTAAATGGAAACTGGACGGAACCACCTCAATGCAAA[G>C]GTAGAGTATTATATTTCTTTTAACATTTTGGGGGAGTATAGCAGGGTTAAAATATGTTGA-3'
Protein context (NP_000177.2, residues 1094-1114): GNWTEPPQCK[Asp1104His]STGKCGPPPP

ClinVar aggregate classification (germline): Uncertain significance (1 of 4 stars; one submission).

gnomAD v4.1: 1 of 1,613,886 alleles (0.000062%); highest among the groups gnomAD compares: African/African-American, 0.0013%; no homozygotes.

Submission:

Mayo Clinic Laboratories, Mayo Clinic
Classification: Uncertain significance. Last evaluated: 2023-07-07. Review status: criteria provided, single submitter. Criteria: ACMG Guidelines, 2015. Collection method: clinical testing. Allele origin: germline. Observed: 2 variant alleles.
Comment: BP4, PP3